The following is an entry in ClinVar:

NM_025074.7(FRAS1):c.8342G>T (p.Arg2781Leu)

Gene: FRAS1 (Fraser extracellular matrix complex subunit 1; plus strand). Cytogenetic location: 4q21.21.
Variant type: single nucleotide variant.
Coding change: c.8342G>T on transcript NM_025074.7 (MANE Select); coding-DNA position 8342, G replaced by T.
Protein change: p.Arg2781Leu; replaces arginine 2781 with leucine.
Molecular consequence: missense variant.
Genome position (GRCh38, 1-based): chr4:78,479,617, G>T. VCF-style: chr4-78479617-G-T. GRCh37 (hg19) VCF-style: chr4-79400771-G-T.
Other names: c.8342G>T (NM_025074.6); short protein forms R2781L.
Identifiers: ClinVar variation 2110744 (VCV002110744.2), dbSNP rs373377563, ClinGen allele CA2978333.
Genomic context (GRCh38, chr4:78,479,617, plus strand): 5'-GCGAGTATGAAGAGGAAGAAGAGTTTGAGATTGCCTTGGCAGATGCCTCTGACAATGCCC[G>T]CATTGGAAGGGTGGCGACAGCCAAGGTGCTCATTAGTGGTCCCAACGATGCCTCGACTGT-3'
Protein context (NP_079350.5, residues 2771-2791): IALADASDNA[Arg2781Leu]IGRVATAKVL

ClinVar aggregate classification (germline): Uncertain significance. Review status: criteria provided, multiple submitters, no conflicts (2 of 4 stars). 2 submissions from 2 submitters: Uncertain significance (2). Last evaluated 2024-02-22.

gnomAD v4.1: 1 of 1,613,866 alleles (0.000062%); highest among the groups gnomAD compares: Non-Finnish European, 0.000085%; no homozygotes.

Submissions (2):

GeneDx
Classification: Uncertain significance. Last evaluated: 2024-02-22. Review status: criteria provided, single submitter. Criteria: GeneDx Variant Classification Process June 2021. Collection method: clinical testing. Allele origin: germline. Affected: yes.
Comment: Not observed at significant frequency in large population cohorts (gnomAD); In silico analysis supports that this missense variant has a deleterious effect on protein structure/function; Has not been previously published as pathogenic or benign to our knowledge

Labcorp Genetics (formerly Invitae), Labcorp
Classification: Uncertain significance. Last evaluated: 2022-03-13. Review status: criteria provided, single submitter. Criteria: Invitae Variant Classification Sherloc (09022015). Collection method: clinical testing. Allele origin: germline.
Comment: This sequence change replaces arginine, which is basic and polar, with leucine, which is neutral and non-polar, at codon 2781 of the FRAS1 protein (p.Arg2781Leu). This variant is present in population databases (rs373377563, gnomAD 0.0009%). This variant has not been reported in the literature in individuals affected with FRAS1-related conditions. Algorithms developed to predict the effect of missense changes on protein structure and function are either unavailable or do not agree on the potential impact of this missense change (SIFT: "Deleterious"; PolyPhen-2: "Benign"; Align-GVGD: "Class C15"). In summary, the available evidence is currently insufficient to determine the role of this variant in disease. Therefore, it has been classified as a Variant of Uncertain Significance.